The following is an entry in ClinVar:

ClinVar aggregate classification (germline): Pathogenic. Review status: reviewed by expert panel (3 of 4 stars). 11 submissions from 11 submitters: Pathogenic (1). 10 of the submissions do not count toward it. Last evaluated 2016-09-08.

Conditions:
Hereditary cancer-predisposing syndrome. Also called: Tumor predisposition; Hereditary Cancer Syndrome; Neoplastic Syndromes, Hereditary; Hereditary neoplastic syndrome. Identifiers: Orphanet 140162, MedGen C0027672, MeSH D009386, MONDO:0015356.
Breast-ovarian cancer, familial, susceptibility to, 1 (BROVCA1). Also called: BRCA1 Hereditary Breast and Ovarian Cancer; OVARIAN CANCER, SUSCEPTIBILITY TO. Identifiers: Orphanet 145, MedGen C2676676, MONDO:0011450, OMIM 604370. Disease mechanism: loss of function.
Hereditary breast ovarian cancer syndrome. Also called: Hereditary breast and ovarian cancer; Hereditary breast and ovarian cancer syndrome (HBOC); BRCA1- and BRCA2-Associated Hereditary Breast and Ovarian Cancer; Hereditary breast and/or ovarian cancer syndrome; Hereditary breast and ovarian cancer syndrome; Breast and ovarian cancer. Identifiers: Orphanet 145, MedGen C0677776, MeSH D061325, MONDO:0003582. Disease mechanism: loss of function.

Submissions (11):

Evidence-based Network for the Interpretation of Germline Mutant Alleles (ENIGMA)
Classification: Pathogenic for Breast-ovarian cancer, familial, susceptibility to, 1. Last evaluated: 2016-09-08. Review status: reviewed by expert panel. Criteria: ENIGMA BRCA1/2 Classification Criteria (2015). Collection method: curation. Allele origin: germline.
Comment: Variant allele predicted to encode a truncated non-functional protein.

GeneDx
Classification: Pathogenic. Last evaluated: 2026-10-09. Review status: criteria provided, single submitter. Criteria: GeneDx Variant Classification Process June 2021. Collection method: clinical testing. Allele origin: germline. Not counted in ClinVar's aggregate classification.
Comment: Identified in an individual with ovarian cancer (PMID: 28888541); Frameshift variant predicted to result in protein truncation or nonsense mediated decay in a gene for which loss of function is a known mechanism of disease; Not observed at significant frequency in large population cohorts (gnomAD); Truncating variants in this gene are considered pathogenic by a well-established clinical consortium and/or database; Also known as 1205_1260del, 1205del56; This variant is associated with the following publications: (PMID: 16030099, 28888541, 12879478)

Labcorp Genetics (formerly Invitae), Labcorp
Classification: Pathogenic for Hereditary breast ovarian cancer syndrome. Last evaluated: 2025-12-16. Review status: criteria provided, single submitter. Criteria: Invitae Variant Classification Sherloc (09022015). Collection method: clinical testing. Allele origin: germline. Not counted in ClinVar's aggregate classification.
Comment: This sequence change creates a premature translational stop signal (p.Asn363Serfs*2) in the BRCA1 gene. It is expected to result in an absent or disrupted protein product. Loss-of-function variants in BRCA1 are known to be pathogenic (PMID: 20104584). This variant is not present in population databases (gnomAD no frequency). This premature translational stop signal has been observed in individual(s) with a personal or family history of breast and/or ovarian cancer (PMID: 12879478, 16030099). This variant is also known as 1205del56. ClinVar contains an entry for this variant (Variation ID: 91539). For these reasons, this variant has been classified as Pathogenic.

Ambry Genetics
Classification: Pathogenic for Hereditary cancer-predisposing syndrome. Last evaluated: 2024-07-16. Review status: criteria provided, single submitter. Criteria: Ambry Variant Classification Scheme 2023. Collection method: clinical testing. Allele origin: germline. Not counted in ClinVar's aggregate classification.
Comment: The c.1086_1141del56 pathogenic mutation, located in coding exon 9 of the BRCA1 gene, results from a deletion of 56 nucleotides at nucleotide positions 1086 to 1141, causing a translational frameshift with a predicted alternate stop codon (p.N363Sfs*2). This mutation, also known as 1205del56 in the literature, has been reported in multiple unrelated hereditary breast and ovarian cancer families of Mexican/Hispanic ancestry and is considered to be a founder mutation in this population (Mullineaux LG et al. Cancer 2003 Aug;98(3):597-602; Weitzel JN et al. Cancer Epidemiol. Biomarkers Prev. 2005 Jul;14(7):1666-71; Torres-Mej&iacute;a G et al. Cancer Epidemiol Biomarkers Prev. 2014 Nov 4). This alteration is expected to result in loss of function by premature protein truncation or nonsense-mediated mRNA decay. As such, this alteration is interpreted as a disease-causing mutation.

Baylor Genetics
Classification: Pathogenic for Breast-ovarian cancer, familial, susceptibility to, 1. Last evaluated: 2023-01-12. Review status: criteria provided, single submitter. Criteria: ACMG Guidelines, 2015. Collection method: clinical testing. Allele origin: unknown. Not counted in ClinVar's aggregate classification.

Quest Diagnostics Nichols Institute San Juan Capistrano
Classification: Pathogenic. Last evaluated: 2022-08-23. Review status: criteria provided, single submitter. Criteria: Quest Diagnostics criteria. Collection method: clinical testing. Allele origin: unknown. Not counted in ClinVar's aggregate classification.
Comment: This frameshift variant alters the translational reading frame of the BRCA1 mRNA and causes the premature termination of BRCA1 protein synthesis. This variant has not been reported in large, multi-ethnic general populations. In the published literature, the variant has been reported in Mexican or Hispanic individuals/families with breast cancer in the published literature (PMIDs: 16030099 (2005) and 12879478 (2003)). Based on the available information, this variant is classified as pathogenic.

Women's Health and Genetics/Laboratory Corporation of America, LabCorp
Classification: Pathogenic for Hereditary breast ovarian cancer syndrome. Last evaluated: 2021-07-01. Review status: criteria provided, single submitter. Criteria: LabCorp Variant Classification Summary - May 2015. Collection method: clinical testing. Allele origin: germline. Not counted in ClinVar's aggregate classification.
Comment: Variant summary: BRCA1 c.1086_1141del56 (p.Asn363SerfsX2) results in a premature termination codon, predicted to cause a truncation of the encoded protein or absence of the protein due to nonsense mediated decay, which are commonly known mechanisms for disease. Truncations downstream of this position have been classified as pathogenic by our laboratory. The variant was absent in 251160 control chromosomes. c.1086_1141del56 has been reported in the literature and databases in individuals affected with Hereditary Breast And Ovarian Cancer Syndrome (Weitzel_2005). To our knowledge, no experimental evidence demonstrating an impact on protein function has been reported. Four clinical diagnostic laboratories have submitted clinical-significance assessments for this variant to ClinVar after 2014 without evidence for independent evaluation. All laboratories classified the variant as pathogenic. Based on the evidence outlined above, the variant was classified as pathogenic.

Consortium of Investigators of Modifiers of BRCA1/2 (CIMBA), c/o University of Cambridge
Classification: Pathogenic for Breast-ovarian cancer, familial, susceptibility to, 1. Last evaluated: 2015-10-02. Review status: criteria provided, single submitter. Criteria: CIMBA Mutation Classification guidelines May 2016. Collection method: clinical testing. Allele origin: germline. Not counted in ClinVar's aggregate classification.

Research Molecular Genetics Laboratory, Women's College Hospital, University of Toronto
Classification: Pathogenic for Hereditary breast ovarian cancer syndrome. Last evaluated: 2014-01-31. Review status: no assertion criteria provided. Collection method: research. Allele origin: germline. Affected: yes. Study: The Canadian Open Genetics Repository (COGR). Not counted in ClinVar's aggregate classification.

Sharing Clinical Reports Project (SCRP)
Classification: Pathogenic for Breast-ovarian cancer, familial 1. Last evaluated: 2012-10-06. Review status: no assertion criteria provided. Collection method: clinical testing. Allele origin: germline. Not counted in ClinVar's aggregate classification.

Breast Cancer Information Core (BIC) (BRCA1)
Classification: Pathogenic for Breast-ovarian cancer, familial 1. Last evaluated: 2002-05-29. Review status: no assertion criteria provided. Collection method: clinical testing. Allele origin: germline. Affected: yes. Observed: 4 variant alleles. Not counted in ClinVar's aggregate classification.

Literature cited by the submitters: PubMed 20104584 (cited by Labcorp Genetics (formerly Invitae), Labcorp); PubMed 12879478 (cited by 4 submitters); PubMed 16030099 (cited by 4 submitters); PubMed 25371446 (cited by Ambry Genetics and Quest Diagnostics Nichols Institute San Juan Capistrano); PubMed 28127413 (cited by Quest Diagnostics Nichols Institute San Juan Capistrano and Women's Health and Genetics/Laboratory Corporation of America, LabCorp); PubMed 29446198 (cited by Quest Diagnostics Nichols Institute San Juan Capistrano and Women's Health and Genetics/Laboratory Corporation of America, LabCorp).

NM_007294.4(BRCA1):c.1086_1141del (p.Asn363fs)

Gene: BRCA1 (BRCA1 DNA repair associated; minus strand). Cytogenetic location: 17q21.31.
Variant type: Deletion.
Coding change: c.1086_1141del on transcript NM_007294.4 (MANE Select); coding-DNA positions 1086 to 1141, 56 bases deleted.
Protein change: p.Asn363fs; shifts the reading frame from asparagine 363.
Molecular consequence: frameshift variant. On other transcripts: intron variant (137).
Genome position (GRCh38, 1-based): chr17:43,094,390-43,094,445, 56 bases deleted. GRCh37 (hg19): chr17:41,246,412-41,246,467.
Other names: 1205del56; c.942_997del, p.Asn315fs (NM_001407743.1, NM_001407744.1, NM_001407745.1 and 20 more transcripts); c.945_1000del, p.Asn316fs (NM_001407750.1, NM_001407751.1, NM_001407752.1 and 29 more transcripts); c.873_928del, p.Asn292fs (NM_001407853.1, NM_001407894.1, NM_001407895.1 and 9 more transcripts); c.1086_1141del, p.Asn363fs (NM_001407854.1, NM_001407858.1, NM_001407859.1 and 30 more transcripts); c.1083_1138del, p.Asn362fs (NM_001407860.1, NM_001407861.1, NM_001407587.1 and 22 more transcripts); c.885_940del, p.Asn296fs (NM_001407862.1); c.963_1018del, p.Asn322fs (NM_001407863.1, NM_001407919.1, NM_001407937.1 and 19 more transcripts); and 43 more; short protein forms N316fs, N363fs, N275fs, N292fs, N322fs, N251fs, N252fs, N274fs.
Identifiers: ClinVar variation 91539 (VCV000091539.32), dbSNP rs80359875, ClinGen allele CA000729.